The following is an entry in ClinVar:

NM_003795.6(SNX3):c.411C>T (p.Asn137=)

Gene: SNX3 (sorting nexin 3; minus strand). Cytogenetic location: 6q21.
Variant type: single nucleotide variant.
Coding change: c.411C>T on transcript NM_003795.6 (MANE Select); coding-DNA position 411, C replaced by T.
Protein change: p.Asn137=; no amino-acid change (asparagine 137 retained).
Molecular consequence: synonymous variant. On other transcripts: nonsense (1).
Genome position (GRCh38, 1-based): chr6:108,212,227, G>A on the plus strand (C>T on the coding strand, the complement: SNX3 is on the minus strand). VCF-style: chr6-108212227-G-A. GRCh37 (hg19) VCF-style: chr6-108533431-G-A.
Other names: c.286C>T, p.Arg96Ter (NM_001300928.2); c.345C>T, p.Asn115= (NM_001300929.2); c.315C>T, p.Asn105= (NM_152827.4); short protein forms R96*.
Identifiers: ClinVar variation 3355140 (VCV003355140.1).
Genomic context (GRCh38, chr6:108,212,227, plus strand): 5'-AGATGGAGTATAGCTTTTATCTATTATTTCATCTTGTAAAAACATGTGAAGACAACGTTC[G>A]TTCTGTGCCAGAGGATGACCAGCGACCCTGAGAATAAAAAATATAAATTTAGTCCAATAT-3'
Protein context (NP_003786.1, residues 127-147): NKVAGHPLAQ[Asn137=]ERCLHMFLQD

ClinVar aggregate classification (germline): Likely benign (0 of 4 stars; one submission).

Conditions:
SNX3-related disorder. Also called: SNX3-related condition.

gnomAD v4.1: 35 of 1,610,738 alleles (0.0022%); highest among the groups gnomAD compares: Non-Finnish European, 0.0027%; no homozygotes.

Submission:

PreventionGenetics, part of Exact Sciences
Classification: Likely benign for SNX3-related condition. Last evaluated: 2019-10-03. Review status: no assertion criteria provided. Collection method: clinical testing. Allele origin: germline.
Comment: This variant is classified as likely benign based on ACMG/AMP sequence variant interpretation guidelines (Richards et al. 2015 PMID: 25741868, with internal and published modifications).